The following is an entry in ClinVar:

NM_001384474.1(LOXHD1):c.511+1G>A

Gene: LOXHD1 (lipoxygenase homology PLAT domains 1; minus strand). Cytogenetic location: 18q21.1.
Variant type: single nucleotide variant.
Coding change: c.511+1G>A on transcript NM_001384474.1 (MANE Select); the canonical splice donor site of the intron after coding-DNA position 511, G replaced by A.
Molecular consequence: splice donor variant.
Genome position (GRCh38, 1-based): chr18:46,639,615, C>T on the plus strand (G>A on the coding strand, the complement: LOXHD1 is on the minus strand). VCF-style: chr18-46639615-C-T. GRCh37 (hg19) VCF-style: chr18-44219578-C-T.
Other names: c.511+1G>A (NM_144612.7).
Identifiers: ClinVar variation 4816836 (VCV004816836.1).
Genomic context (GRCh38, chr18:46,639,615, plus strand): 5'-TTCCTGGGTGAGCCCAGCCCAGCTAGGGAGGGATGGCAGGCAGGCCAGCCTAGGCACTGA[C>T]CTCTGGGCATGTCCATGGGGTTGAAGCTGGCCAGCAGGTCACGGCACCACTGGCGGTCAC-3'

ClinVar aggregate classification (germline): Likely pathogenic (1 of 4 stars; one submission).

Conditions:
Autosomal recessive nonsyndromic hearing loss 77. Identifiers: Orphanet 90636, MedGen C2746083, MONDO:0013119, OMIM 613079.

gnomAD v4.1: 1 of 1,550,928 alleles (0.000064%); highest among the groups gnomAD compares: Admixed American, 0.002%; no homozygotes.

Submission:

Natera, Inc.
Classification: Likely pathogenic for Autosomal recessive deafness type 77. Last evaluated: 2025-07-21. Review status: criteria provided, single submitter. Criteria: Natera Variant Classification Schema (03/2026). Collection method: clinical testing. Allele origin: germline.
Comment: The c.511+1G>A variant in LOXHD1 is a canonical splice donor site variant predicted to affect pre-mRNA splicing, which may result in an abnormal transcript and altered protein product. This variant is expected to result in nonsense mediated decay, truncation, or a dysfunctional protein product. This variant is rare in the general population with a frequency below the threshold expected for the associated phenotype(s). Given the available evidence, this variant is classified as Likely Pathogenic.